The following is an entry in ClinVar:

NM_004385.5(VCAN):c.8431A>G (p.Thr2811Ala)

Genes: VCAN (versican; plus strand), VCAN-AS1 (VCAN antisense RNA 1; minus strand). Cytogenetic location: 5q14.3.
Variant type: single nucleotide variant.
Coding change: c.8431A>G on transcript NM_004385.5 (MANE Select); coding-DNA position 8431, A replaced by G.
Protein change: p.Thr2811Ala; replaces threonine 2811 with alanine.
Molecular consequence: missense variant. On other transcripts: intron variant (2).
Genome position (GRCh38, 1-based): chr5:83,541,434, A>G. VCF-style: chr5-83541434-A-G. GRCh37 (hg19) VCF-style: chr5-82837253-A-G.
Other names: c.5470A>G, p.Thr1824Ala (NM_001164097.2); c.4004-4103A>G (NM_001164098.2); c.1043-4103A>G (NM_001126336.3); short protein forms T1824A, T2811A.
Identifiers: ClinVar variation 1476088 (VCV001476088.8), dbSNP rs1036832714, ClinGen allele CA121776689.
Genomic context (GRCh38, chr5:83,541,434, plus strand): 5'-AGTGTAACAGAGGTGCCTGATGTGATGGAAGGATCCAATCCCCCATATTACACTGATACA[A>G]CATTAGCAGTTTCAACATTTGCGAAGTTGTCTTCTCAGACACCATCATCTCCCCTCACTA-3'
Protein context (NP_004376.2, residues 2801-2821): GSNPPYYTDT[Thr2811Ala]LAVSTFAKLS

ClinVar aggregate classification (germline): Uncertain significance (1 of 4 stars; one submission).

Allele frequency attached by ClinVar (database versions not stated): TOPMed below 0.00001.
gnomAD v4.1: 22 of 1,614,076 alleles (0.0014%); highest among the groups gnomAD compares: Non-Finnish European, 0.0018%; no homozygotes.

Submission:

Labcorp Genetics (formerly Invitae), Labcorp
Classification: Uncertain significance. Last evaluated: 2026-01-26. Review status: criteria provided, single submitter. Criteria: Invitae Variant Classification Sherloc (09022015). Collection method: clinical testing. Allele origin: germline.
Comment: This sequence change replaces threonine, which is neutral and polar, with alanine, which is neutral and non-polar, at codon 2811 of the VCAN protein (p.Thr2811Ala). This variant is present in population databases (no rsID available, gnomAD 0.0009%). This variant has not been reported in the literature in individuals affected with VCAN-related conditions. ClinVar contains an entry for this variant (Variation ID: 1476088). An algorithm developed to predict the effect of missense changes on protein structure and function outputs the following: PolyPhen-2: "Benign". The alanine amino acid residue is found in multiple mammalian species, which suggests that this missense change does not adversely affect protein function. In summary, the available evidence is currently insufficient to determine the role of this variant in disease. Therefore, it has been classified as a Variant of Uncertain Significance.